The following is an entry in ClinVar:

NM_020738.4(KIDINS220):c.109-5T>C

Gene: KIDINS220 (kinase D interacting substrate 220; minus strand). Cytogenetic location: 2p25.1.
Variant type: single nucleotide variant.
Coding change: c.109-5T>C on transcript NM_020738.4 (MANE Select); 5 bases into the intron before coding-DNA position 109, T replaced by C.
Molecular consequence: intron variant.
Genome position (GRCh38, 1-based): chr2:8,818,798, A>G on the plus strand (T>C on the coding strand, the complement: KIDINS220 is on the minus strand). VCF-style: chr2-8818798-A-G. GRCh37 (hg19) VCF-style: chr2-8958928-A-G.
Other names: c.109-5T>C (NM_001348741.2, NM_001348738.2, NM_001348739.2 and 9 more transcripts); c.-18-5T>C (NM_001348736.2).
Identifiers: ClinVar variation 3351240 (VCV003351240.1).

ClinVar aggregate classification (germline): Likely benign (0 of 4 stars; one submission).

Conditions:
KIDINS220-related disorder. Also called: KIDINS220-related condition.

gnomAD v4.1: 17 of 1,539,338 alleles (0.0011%); highest among the groups gnomAD compares: Middle Eastern, 0.017%; no homozygotes.

Submission:

PreventionGenetics, part of Exact Sciences
Classification: Likely benign for KIDINS220-related condition. Last evaluated: 2021-06-08. Review status: no assertion criteria provided. Collection method: clinical testing. Allele origin: germline.
Comment: This variant is classified as likely benign based on ACMG/AMP sequence variant interpretation guidelines (Richards et al. 2015 PMID: 25741868, with internal and published modifications).